The following is an entry in ClinVar:

NM_002907.4(RECQL):c.1627G>C (p.Glu543Gln)

Gene: RECQL (RecQ like helicase; minus strand). Cytogenetic location: 12p12.1.
Variant type: single nucleotide variant.
Coding change: c.1627G>C on transcript NM_002907.4 (MANE Select); coding-DNA position 1627, G replaced by C.
Protein change: p.Glu543Gln; replaces glutamic acid 543 with glutamine.
Molecular consequence: missense variant.
Genome position (GRCh38, 1-based): chr12:21,471,468, C>G on the plus strand (G>C on the coding strand, the complement: RECQL is on the minus strand). VCF-style: chr12-21471468-C-G. GRCh37 (hg19) VCF-style: chr12-21624402-C-G.
Other names: c.1627G>C, p.Glu543Gln (NM_032941.3); short protein forms E543Q.
Identifiers: ClinVar variation 1437641 (VCV001437641.6), dbSNP rs2137315815, ClinGen allele CA384115177.

ClinVar aggregate classification (germline): Uncertain significance (1 of 4 stars; one submission).

Submission:

Labcorp Genetics (formerly Invitae), Labcorp
Classification: Uncertain significance. Last evaluated: 2021-11-19. Review status: criteria provided, single submitter. Criteria: Invitae Variant Classification Sherloc (09022015). Collection method: clinical testing. Allele origin: germline.
Comment: This variant has not been reported in the literature in individuals affected with RECQL-related conditions. In summary, the available evidence is currently insufficient to determine the role of this variant in disease. Therefore, it has been classified as a Variant of Uncertain Significance. Algorithms developed to predict the effect of missense changes on protein structure and function (SIFT, PolyPhen-2, Align-GVGD) all suggest that this variant is likely to be disruptive. This variant is not present in population databases (gnomAD no frequency). This sequence change replaces glutamic acid, which is acidic and polar, with glutamine, which is neutral and polar, at codon 543 of the RECQL protein (p.Glu543Gln).